The following is an entry in ClinVar:

ClinVar aggregate classification (germline): Pathogenic/Likely pathogenic. Review status: criteria provided, multiple submitters, no conflicts (2 of 4 stars). 11 submissions from 11 submitters: Pathogenic (6); Likely pathogenic (4). 1 of the submissions does not count toward it. Last evaluated 2025-12-19.

Conditions:
Retinitis pigmentosa 25 (RP25). Identifiers: Orphanet 791, MedGen C1864446, MONDO:0011272, OMIM 602772.
EYS-related disorder. Also called: EYS-related condition.
Retinal dystrophy. Also called: Inherited retinal dystrophy. Identifiers: Orphanet 71862, MedGen C0854723, MeSH D058499, MONDO:0019118, HP:0000556.
Retinitis pigmentosa (RP). Identifiers: Orphanet 791, MedGen C0035334, MeSH D012174, MONDO:0019200, OMIM 268000. Inheritance: Autosomal dominant, autosomal recessive and X linked inheritance.

Allele frequency attached by ClinVar (database versions not stated): gnomAD 0.00001; TOPMed 0.00003; ExAC 0.00004; gnomAD exomes 0.00004; ESP Exome Variant Server 0.00022.
gnomAD v4.1: 54 of 1,551,818 alleles (0.0035%); highest among the groups gnomAD compares: Non-Finnish European, 0.0046%; no homozygotes.

Submissions (11):

Women's Health and Genetics/Laboratory Corporation of America, LabCorp
Classification: Pathogenic for Retinitis pigmentosa. Last evaluated: 2025-12-19. Review status: criteria provided, single submitter. Criteria: LabCorp Variant Classification Summary - May 2015. Collection method: clinical testing. Allele origin: germline.
Comment: Variant summary: EYS c.8779T>C (p.Cys2927Arg) results in a non-conservative amino acid change in the encoded protein sequence. Algorithms developed to predict the effect of missense changes on protein structure and function all suggest that this variant is likely to be disruptive. The variant allele was found at a frequency of 3.8e-05 in 157362 control chromosomes. c.8779T>C has been reported in the homozygous or presumed compound heterozygous state in the literature in individuals affected with Retinitis Pigmentosa (example, Colombo_2021, Hanany_2020, Pierrottet_ 2014, Soares_2023, Wang_2014, Labcorp Genetics (formerly Invitae)). These data indicate that the variant is likely to be associated with disease. To our knowledge, no experimental evidence demonstrating an impact on protein function has been reported. The following publications have been ascertained in the context of this evaluation (PMID: 33576794, 31964843, 25366773, 36764454, 25097241). ClinVar contains an entry for this variant (Variation ID: 624249). Based on the evidence outlined above, the variant was classified as pathogenic.

Natera, Inc.
Classification: Pathogenic for Retinitis pigmentosa type 25. Last evaluated: 2025-09-08. Review status: criteria provided, single submitter. Criteria: Natera Variant Classification Schema (03/2026). Collection method: clinical testing. Allele origin: germline.
Comment: The c.8779T>C variant in EYS is a missense variant predicted to cause substitution of cysteine to arginine at amino acid 2927. This variant is rare in the general population with a frequency below the threshold expected for the associated phenotype(s). This variant has been observed in one or more individuals affected with the associated recessive disease, as either homozygous or compound heterozygous with a second variant (PMID: 36764454, 31725169, 30718709, 32728228, 39607159). Additionally, this variant has been observed to segregate in affected family members (PMID: 36764454). Computational prediction algorithms indicate this variant is likely to affect gene or protein function. Given the available evidence, this variant is classified as Pathogenic.

Myriad Genetics, Inc.
Classification: Likely pathogenic for Retinitis pigmentosa 25. Last evaluated: 2025-05-23. Review status: criteria provided, single submitter. Criteria: Myriad Autosomal Dominant, Autosomal Recessive and X-Linked Classification Criteria (2023). Collection method: clinical testing. Allele origin: unknown.
Comment: NM_001142800.1(EYS):c.8779T>C(C2927R) is a missense variant classified as likely pathogenic in the context of retinitis pigmentosa, EYS-related. C2927R has been observed in cases with relevant disease (PMID: 25097241, 32037395, 33576794, 34178978, 39607159). Relevant functional assessments of this variant are not available in the literature. C2927R has been observed in referenced population frequency databases. In summary, NM_001142800.1(EYS):c.8779T>C(C2927R) is a missense variant that has been observed more frequently in cases with the relevant disease than in healthy populations. Please note: this variant was assessed in the context of healthy population screening.

Labcorp Genetics (formerly Invitae), Labcorp
Classification: Pathogenic. Last evaluated: 2025-02-03. Review status: criteria provided, single submitter. Criteria: Invitae Variant Classification Sherloc (09022015). Collection method: clinical testing. Allele origin: germline.
Comment: This sequence change replaces cysteine, which is neutral and slightly polar, with arginine, which is basic and polar, at codon 2927 of the EYS protein (p.Cys2927Arg). This variant is present in population databases (rs373203896, gnomAD 0.01%). This missense change has been observed in individual(s) with retinitis pigmentosa (PMID: 30718709, 31725169, 32728228; internal data). In at least one individual the data is consistent with being in trans (on the opposite chromosome) from a pathogenic variant. ClinVar contains an entry for this variant (Variation ID: 624249). Invitae Evidence Modeling of protein sequence and biophysical properties (such as structural, functional, and spatial information, amino acid conservation, physicochemical variation, residue mobility, and thermodynamic stability) has been performed for this missense variant. However, the output from this modeling did not meet the statistical confidence thresholds required to predict the impact of this variant on EYS protein function. For these reasons, this variant has been classified as Pathogenic.

Baylor Genetics
Classification: Pathogenic for Retinitis pigmentosa 25. Last evaluated: 2024-03-27. Review status: criteria provided, single submitter. Criteria: ACMG Guidelines, 2015. Collection method: clinical testing. Allele origin: unknown.

Blueprint Genetics
Classification: Pathogenic for EYS-related disorders. Last evaluated: 2023-03-30. Review status: criteria provided, single submitter. Criteria: ACMG Guidelines, 2015. Collection method: clinical testing. Allele origin: germline. Affected: yes. Observed: 5 variant alleles.

Mendelics
Classification: Pathogenic for Retinitis pigmentosa 25. Last evaluated: 2022-05-04. Review status: criteria provided, single submitter. Criteria: Mendelics Assertion Criteria 2019. Collection method: clinical testing. Allele origin: germline.

Institute of Human Genetics, Univ. Regensburg, Univ. Regensburg
Classification: Likely pathogenic for Retinal dystrophy. Last evaluated: 2022-01-01. Review status: criteria provided, single submitter. Criteria: ACMG Guidelines, 2015. Collection method: clinical testing. Allele origin: germline. Affected: yes.

CeGaT Center for Human Genetics Tuebingen
Classification: Likely pathogenic. Last evaluated: 2018-07-01. Review status: criteria provided, single submitter. Criteria: CeGaT Center For Human Genetics Tuebingen Variant Classification Criteria Version 2. Collection method: clinical testing. Allele origin: germline. Affected: yes. Observed: 2 variant alleles.

Kariminejad - Najmabadi Pathology & Genetics Center
Classification: Likely pathogenic for Retinitis pigmentosa 25. Review status: criteria provided, single submitter. Criteria: ACMG Guidelines, 2015. Collection method: clinical testing. Allele origin: germline. Affected: no.

Department of Clinical Genetics, Copenhagen University Hospital, Rigshospitalet
Classification: Likely pathogenic for Retinitis pigmentosa. Last evaluated: 2018-04-01. Review status: no assertion criteria provided. Collection method: research. Allele origin: unknown. Affected: yes. Study: VeluxRD. Not counted in ClinVar's aggregate classification.

Literature cited by the submitters: PubMed 25366773 (cited by Women's Health and Genetics/Laboratory Corporation of America, LabCorp and Institute of Human Genetics, Univ. Regensburg, Univ. Regensburg); PubMed 25097241 (cited by 3 submitters); PubMed 33576794 (cited by 3 submitters); PubMed 31964843 (cited by Women's Health and Genetics/Laboratory Corporation of America, LabCorp and Institute of Human Genetics, Univ. Regensburg, Univ. Regensburg); PubMed 36764454 (cited by Women's Health and Genetics/Laboratory Corporation of America, LabCorp and Natera, Inc.); PubMed 31725169 (cited by 3 submitters); PubMed 30718709 (cited by 3 submitters); PubMed 32728228 (cited by 3 submitters); PubMed 39607159 (cited by Natera, Inc. and Myriad Genetics, Inc.); PubMed 32037395 (cited by Myriad Genetics, Inc. and Institute of Human Genetics, Univ. Regensburg, Univ. Regensburg); PubMed 34178978 (cited by Myriad Genetics, Inc.).

NM_001142800.2(EYS):c.8779T>C (p.Cys2927Arg)

Genes: EYS (EGF-like photoreceptor maintenance factor; minus strand), PHF3 (PHD finger protein 3; plus strand). Cytogenetic location: 6q12.
Variant type: single nucleotide variant.
Coding change: c.8779T>C on transcript NM_001142800.2 (MANE Select); coding-DNA position 8779, T replaced by C.
Protein change: p.Cys2927Arg; replaces cysteine 2927 with arginine.
Molecular consequence: missense variant. On other transcripts: 3 prime UTR variant (5).
Genome position (GRCh38, 1-based): chr6:63,721,252, A>G on the plus strand (T>C on the coding strand, the complement: EYS is on the minus strand). VCF-style: chr6-63721252-A-G. GRCh37 (hg19) VCF-style: chr6-64431148-A-G.
Other names: c.*7544A>G (NM_001290259.2, NM_001370348.2, NM_001370349.2 and 2 more transcripts); c.8842T>C, p.Cys2948Arg (NM_001292009.2); short protein forms C2927R, C2948R.
Identifiers: ClinVar variation 624249 (VCV000624249.60), dbSNP rs373203896, ClinGen allele CA3876693.